The following is an entry in ClinVar:

NM_005060.4(RORC):c.991G>A (p.Val331Met)

Gene: RORC (RAR related orphan receptor C; minus strand). Cytogenetic location: 1q21.3.
Variant type: single nucleotide variant.
Coding change: c.991G>A on transcript NM_005060.4 (MANE Select); coding-DNA position 991, G replaced by A.
Protein change: p.Val331Met; replaces valine 331 with methionine.
Molecular consequence: missense variant.
Genome position (GRCh38, 1-based): chr1:151,813,563, C>T on the plus strand (G>A on the coding strand, the complement: RORC is on the minus strand). VCF-style: chr1-151813563-C-T. GRCh37 (hg19) VCF-style: chr1-151786039-C-T.
Other names: c.928G>A, p.Val310Met (NM_001001523.2); short protein forms V310M, V331M.
Identifiers: ClinVar variation 4813333 (VCV004813333.1).

ClinVar aggregate classification (germline): Likely pathogenic (1 of 4 stars; one submission).

Conditions:
Autosomal recessive mendelian susceptibility to mycobacterial diseases due to complete RORgamma receptor deficiency. Also called: Immunodeficiency 42. Identifiers: Orphanet 477857, MedGen C5567647, MONDO:0014710, OMIM 616622.

gnomAD v4.1: 2 of 1,614,086 alleles (0.00012%); highest among the groups gnomAD compares: African/African-American, 0.0013%; no homozygotes.

Submission:

Clinical Immunology, Karolinska University Hospital
Classification: Likely pathogenic for Autosomal recessive mendelian susceptibility to mycobacterial diseases due to complete RORgamma receptor deficiency. Last evaluated: 2025-12-22. Review status: criteria provided, single submitter. Criteria: ACMG Guidelines, 2015. Collection method: clinical testing. Allele origin: germline. Inheritance: Autosomal recessive inheritance. Affected: yes.
Comment: Functional analysis revealed lack IL-17 respond to Candida stimulation and lack of Va7.2. Classification: PM2, PP3 (Revel 0,85), PP4_mod, PM3_supp.